The following is an entry in ClinVar:

ClinVar aggregate classification (germline): Uncertain significance (1 of 4 stars; one submission).

Allele frequency attached by ClinVar (database versions not stated): TOPMed below 0.00001; gnomAD 0.00001; gnomAD exomes 0.00001.
gnomAD v4.1: 5 of 1,614,086 alleles (0.00031%); highest among the groups gnomAD compares: South Asian, 0.0011%; no homozygotes.

Submission:

Labcorp Genetics (formerly Invitae), Labcorp
Classification: Uncertain significance. Last evaluated: 2024-01-22. Review status: criteria provided, single submitter. Criteria: Invitae Variant Classification Sherloc (09022015). Collection method: clinical testing. Allele origin: germline.
Comment: This sequence change replaces aspartic acid, which is acidic and polar, with glycine, which is neutral and non-polar, at codon 105 of the COCH protein (p.Asp105Gly). This variant is not present in population databases (gnomAD no frequency). This variant has not been reported in the literature in individuals affected with COCH-related conditions. ClinVar contains an entry for this variant (Variation ID: 1901978). An algorithm developed to predict the effect of missense changes on protein structure and function (PolyPhen-2) suggests that this variant is likely to be tolerated. Algorithms developed to predict the effect of sequence changes on RNA splicing suggest that this variant may create or strengthen a splice site. In summary, the available evidence is currently insufficient to determine the role of this variant in disease. Therefore, it has been classified as a Variant of Uncertain Significance.

NM_004086.3(COCH):c.314A>G (p.Asp105Gly)

Genes: COCH (cochlin; plus strand), COCH-AS1 (COCH antisense RNA 1; minus strand). Cytogenetic location: 14q12.
Variant type: single nucleotide variant.
Coding change: c.314A>G on transcript NM_004086.3 (MANE Select); coding-DNA position 314, A replaced by G.
Protein change: p.Asp105Gly; replaces aspartic acid 105 with glycine.
Molecular consequence: missense variant.
Genome position (GRCh38, 1-based): chr14:30,878,885, A>G. VCF-style: chr14-30878885-A-G. GRCh37 (hg19) VCF-style: chr14-31348091-A-G.
Other names: c.314A>G, p.Asp105Gly (NM_001135058.2); c.509A>G, p.Asp170Gly (NM_001347720.2); short protein forms D170G, D105G.
Identifiers: ClinVar variation 1901978 (VCV001901978.5), dbSNP rs1273768627, ClinGen allele CA389344646.
Genomic context (GRCh38, chr14:30,878,885, plus strand): 5'-ACTCAGGGGGACCTGTACGAGTCTATAGCCTACCTGGTCGAGAAAACTATTCCTCAGTAG[A>G]TGCCAATGGCATCCAGTCTCAAATGCTTTCTAGATGGTCTGCTTCTTTCACAGTAACTAG-3'
Protein context (NP_004077.1, residues 95-115): LPGRENYSSV[Asp105Gly]ANGIQSQMLS